The following is an entry in ClinVar:

NM_001379081.2(FREM1):c.3047C>T (p.Thr1016Met)

Gene: FREM1 (FRAS1 related extracellular matrix 1; minus strand). Cytogenetic location: 9p22.3.
Variant type: single nucleotide variant.
Coding change: c.3047C>T on transcript NM_001379081.2 (MANE Select); coding-DNA position 3047, C replaced by T.
Protein change: p.Thr1016Met; replaces threonine 1016 with methionine.
Molecular consequence: missense variant. On other transcripts: non-coding transcript variant (2).
Genome position (GRCh38, 1-based): chr9:14,807,981, G>A on the plus strand (C>T on the coding strand, the complement: FREM1 is on the minus strand). VCF-style: chr9-14807981-G-A. GRCh37 (hg19) VCF-style: chr9-14807979-G-A.
Other names: c.3047C>T (NM_144966.5); c.3047C>T, p.Thr1016Met (NM_144966.7); short protein forms T1016M.
Identifiers: ClinVar variation 3597104 (VCV003597104.2).
Genomic context (GRCh38, chr9:14,807,981, plus strand): 5'-CAAAAAAACACATTGTCACCTATTGCAATGGAAGGTGGCTGGTTGTCTACTGGGTATACC[G>A]TGATGTTGAGATCATACACTGGAAAGGACGCATGAAGTGGAACAGATGGATTGGGTCCAT-3'
Protein context (NP_001366010.1, residues 1006-1026): ASFPVYDLNI[Thr1016Met]VYPVDNQPPS

ClinVar aggregate classification (germline): Uncertain significance. Review status: criteria provided, multiple submitters, no conflicts (2 of 4 stars). 2 submissions from 2 submitters: Uncertain significance (2). Last evaluated 2025-03-12.

Conditions:
BNAR syndrome. Also called: Bifid Nose With or Without Anorectal and Renal Anomalies (BNAR) Syndrome. Identifiers: Orphanet 217266, MedGen C2750433, MONDO:0012165, OMIM 608980.
Oculotrichoanal syndrome (MOTA). Also called: MARLES SYNDROME; Manitoba Oculotrichoanal (MOTA) Syndrome. Identifiers: Orphanet 2717, MedGen C1855425, MONDO:0009560, OMIM 248450.
Trigonocephaly 2 (TRIGNO2). Identifiers: Orphanet 3366, MedGen C3280974, MONDO:0013774, OMIM 614485.

gnomAD v4.1: 53 of 1,613,672 alleles (0.0033%); highest among the groups gnomAD compares: Middle Eastern, 0.016%; no homozygotes.

Submissions (2):

Labcorp Genetics (formerly Invitae), Labcorp
Classification: Uncertain significance. Last evaluated: 2025-03-12. Review status: criteria provided, single submitter. Criteria: Invitae Variant Classification Sherloc (09022015). Collection method: clinical testing. Allele origin: germline.
Comment: This sequence change replaces threonine, which is neutral and polar, with methionine, which is neutral and non-polar, at codon 1016 of the FREM1 protein (p.Thr1016Met). This variant is present in population databases (rs781275545, gnomAD 0.02%). This variant has not been reported in the literature in individuals affected with FREM1-related conditions. ClinVar contains an entry for this variant (Variation ID: 3597104). Invitae Evidence Modeling of protein sequence and biophysical properties (such as structural, functional, and spatial information, amino acid conservation, physicochemical variation, residue mobility, and thermodynamic stability) indicates that this missense variant is expected to disrupt FREM1 protein function with a positive predictive value of 80%. In summary, the available evidence is currently insufficient to determine the role of this variant in disease. Therefore, it has been classified as a Variant of Uncertain Significance.

Fulgent Genetics
Classification: Uncertain significance for Oculotrichoanal syndrome; BNAR syndrome; Trigonocephaly 2. Last evaluated: 2024-02-17. Review status: criteria provided, single submitter. Criteria: ACMG Guidelines, 2015. Collection method: clinical testing. Allele origin: germline.